The following is an entry in ClinVar:

NM_000059.4(BRCA2):c.1498G>A (p.Gly500Ser)

Gene: BRCA2 (BRCA2 DNA repair associated; plus strand). Cytogenetic location: 13q13.1.
Variant type: single nucleotide variant.
Coding change: c.1498G>A on transcript NM_000059.4 (MANE Select); coding-DNA position 1498, G replaced by A.
Protein change: p.Gly500Ser; replaces glycine 500 with serine.
Molecular consequence: missense variant.
Genome position (GRCh38, 1-based): chr13:32,332,976, G>A. VCF-style: chr13-32332976-G-A. GRCh37 (hg19) VCF-style: chr13-32907113-G-A.
Other names: c.1498G>A (NM_000059.3); short protein forms G500S.
Identifiers: ClinVar variation 1376150 (VCV001376150.8), dbSNP rs1233016217, ClinGen allele CA387764475.

ClinVar aggregate classification (germline): Conflicting classifications of pathogenicity. Review status: criteria provided, conflicting classifications (1 of 4 stars). 3 submissions from 3 submitters: Uncertain significance (2); Likely benign (1). Last evaluated 2024-03-19.

Conditions:
Hereditary cancer-predisposing syndrome. Also called: Neoplastic Syndromes, Hereditary; Hereditary Cancer Syndrome; Tumor predisposition; Hereditary neoplastic syndrome. Identifiers: Orphanet 140162, MedGen C0027672, MeSH D009386, MONDO:0015356.
Hereditary breast ovarian cancer syndrome. Also called: Hereditary breast and ovarian cancer; Hereditary breast and/or ovarian cancer syndrome; Hereditary breast and ovarian cancer syndrome; Hereditary breast and ovarian cancer syndrome (HBOC); Breast and ovarian cancer; BRCA1- and BRCA2-Associated Hereditary Breast and Ovarian Cancer. Identifiers: Orphanet 145, MedGen C0677776, MeSH D061325, MONDO:0003582. Disease mechanism: loss of function.

Allele frequency attached by ClinVar (database versions not stated): gnomAD exomes below 0.00001 and 0.00001; gnomAD 0.00001; TOPMed 0.00001.
gnomAD v4.1: 4 of 1,594,140 alleles (0.00025%); highest among the groups gnomAD compares: African/African-American, 0.0027%; no homozygotes.

Submissions (3):

Ambry Genetics
Classification: Uncertain significance for Hereditary cancer-predisposing syndrome. Last evaluated: 2024-03-19. Review status: criteria provided, single submitter. Criteria: Ambry Variant Classification Scheme 2023. Collection method: clinical testing. Allele origin: germline.

University of Washington Department of Laboratory Medicine, University of Washington
Classification: Likely benign for Hereditary cancer-predisposing syndrome. Last evaluated: 2023-03-23. Review status: criteria provided, single submitter. Criteria: Dines et al. (Genet Med. 2020). Collection method: curation. Allele origin: germline.
Comment: Missense variant in a coldspot region where missense variants are very unlikely to be pathogenic (PMID:31911673).

BRCA2 exon 10 coldspot. Reclassification based on statistical prior probability.

Labcorp Genetics (formerly Invitae), Labcorp
Classification: Uncertain significance for Hereditary breast ovarian cancer syndrome. Last evaluated: 2021-08-19. Review status: criteria provided, single submitter. Criteria: Invitae Variant Classification Sherloc (09022015). Collection method: clinical testing. Allele origin: germline.
Comment: This sequence change replaces glycine with serine at codon 500 of the BRCA2 protein (p.Gly500Ser). The glycine residue is weakly conserved and there is a small physicochemical difference between glycine and serine. In summary, the available evidence is currently insufficient to determine the role of this variant in disease. Therefore, it has been classified as a Variant of Uncertain Significance. Advanced modeling of protein sequence and biophysical properties (such as structural, functional, and spatial information, amino acid conservation, physicochemical variation, residue mobility, and thermodynamic stability) performed at Invitae indicates that this missense variant is not expected to disrupt BRCA2 protein function. This variant has not been reported in the literature in individuals affected with BRCA2-related conditions. This variant is not present in population databases (ExAC no frequency).